The following is an entry in ClinVar:

ClinVar aggregate classification (germline): Benign/Likely benign. Review status: criteria provided, multiple submitters, no conflicts (2 of 4 stars). 4 submissions from 4 submitters: Benign (3); Likely benign (1). Last evaluated 2026-01-31.

Conditions:
Erythrocytosis, familial, 3 (ECYT3). Identifiers: Orphanet 247511, MedGen C1853286, MONDO:0012353, OMIM 609820.

Allele frequency attached by ClinVar (database versions not stated): gnomAD exomes 0.00020 and 0.00049; ExAC 0.00059; ESP Exome Variant Server 0.00169; gnomAD 0.00179 and 0.00188; TOPMed 0.00198; 1000 Genomes Project 0.00260; 1000 Genomes Project 30x 0.00265.

Submissions (4):

Labcorp Genetics (formerly Invitae), Labcorp
Classification: Benign for Erythrocytosis, familial, 3. Last evaluated: 2026-01-31. Review status: criteria provided, single submitter. Criteria: Invitae Variant Classification Sherloc (09022015). Collection method: clinical testing. Allele origin: germline.

ARUP Laboratories, Molecular Genetics and Genomics, ARUP Laboratories
Classification: Benign. Last evaluated: 2025-04-17. Review status: criteria provided, single submitter. Criteria: ARUP Molecular Germline Variant Investigation Process 2024. Collection method: clinical testing. Allele origin: germline.

Blueprint Genetics
Classification: Likely benign. Last evaluated: 2024-11-01. Review status: criteria provided, single submitter. Criteria: ACMG Guidelines, 2015. Collection method: clinical testing. Allele origin: germline.

Illumina Laboratory Services, Illumina
Classification: Benign for Erythrocytosis, familial, 3. Last evaluated: 2018-01-13. Review status: criteria provided, single submitter. Criteria: ICSL Variant Classification Criteria 13 December 2019. Collection method: clinical testing. Allele origin: germline.
Comment: This variant was observed in the ICSL laboratory as part of a predisposition screen in an ostensibly healthy population. It had not been previously curated by ICSL or reported in the Human Gene Mutation Database (HGMD: prior to June 1st, 2018), and was therefore a candidate for classification through an automated scoring system. Utilizing variant allele frequency, disease prevalence and penetrance estimates, and inheritance mode, an automated score was calculated to assess if this variant is too frequent to cause the disease. Based on the score and internal cut-off values, a variant classified as benign is not then subjected to further curation. The score for this variant resulted in a classification of benign for this disease.

NM_022051.3(EGLN1):c.1272C>T (p.Asp424=)

Gene: EGLN1 (egl-9 family hypoxia inducible factor 1; minus strand). Cytogenetic location: 1q42.2.
Variant type: single nucleotide variant.
Coding change: c.1272C>T on transcript NM_022051.3 (MANE Select); coding-DNA position 1272, C replaced by T.
Protein change: p.Asp424=; no amino-acid change (aspartic acid 424 retained).
Molecular consequence: synonymous variant. On other transcripts: 3 prime UTR variant (2).
Genome position (GRCh38, 1-based): chr1:231,366,420, G>A on the plus strand (C>T on the coding strand, the complement: EGLN1 is on the minus strand). VCF-style: chr1-231366420-G-A. GRCh37 (hg19) VCF-style: chr1-231502166-G-A.
Other names: c.*52C>T (NM_001377260.1); c.*97C>T (NM_001377261.1).
Identifiers: ClinVar variation 296183 (VCV000296183.16), dbSNP rs61734647, ClinGen allele CA1452954.